The following is an entry in ClinVar:

NM_205768.3(ZBTB18):c.1322_1325del (p.His441fs)

Gene: ZBTB18 (zinc finger and BTB domain containing 18; plus strand). Cytogenetic location: 1q44.
Variant type: Microsatellite.
Coding change: c.1322_1325del on transcript NM_205768.3 (MANE Select); coding-DNA positions 1322 to 1325, 4 bases deleted (ACTC; older notation c.1322_1325delACTC).
Protein change: p.His441fs; shifts the reading frame from histidine 441.
Molecular consequence: frameshift variant. On other transcripts: 3 prime UTR variant (1).
Genome position (GRCh38, 1-based): chr1:244,055,096-244,055,099, ACTC deleted; deleting any 4 consecutive bases within chr1:244,055,092-244,055,099 gives the same sequence; the c. name uses the placement nearest the transcript's 3' end. VCF-style (leftmost placement, unchanged base first): chr1-244055091-GACTC-G. GRCh37 (hg19) VCF-style: chr1-244218393-GACTC-G.
Other names: c.1295_1298del, p.His432fs (NM_001278196.2, NM_006352.5); c.*495ACTC[1] (NM_001421566.1); short protein forms H432fs, H441fs.
Identifiers: ClinVar variation 4813789 (VCV004813789.1).

ClinVar aggregate classification (germline): Pathogenic (1 of 4 stars; one submission).

Conditions:
Intellectual developmental disorder, autosomal dominant 22. Also called: Intellectual disability, autosomal dominant 22. Identifiers: MedGen CN029689, MONDO:0012869, OMIM 612337.

Submission:

Variantyx, Inc.
Classification: Pathogenic for Intellectual developmental disorder, autosomal dominant 22. Last evaluated: 2025-11-25. Review status: criteria provided, single submitter. Criteria: Variantyx Assertion Criteria 2022. Collection method: clinical testing. Allele origin: de novo. Inheritance: Autosomal dominant inheritance. Affected: yes.
Comment: This is a frameshift variant in the ZBTB18 gene (OMIM: 608433). Pathogenic variants in this gene have been associated with autosomal dominant intellectual developmental disorder 22. This variant introduces a premature termination codon in exon 2 out of 2 and is expected to result in loss of function, which is a known disease mechanism for ZBTB18 in this disorder (PMID:35083747) (PVS1). This variant is absent from control populations (PM2) and it has not been reported in individuals with ZBTB18-related disorders in the databases available for review. Based on the current evidence, this variant is classified as pathogenic for autosomal dominant intellectual developmental disorder 22.

Literature cited by the submitters: PubMed 35083747.